The following is an entry in ClinVar:

NM_014112.5(TRPS1):c.217C>T (p.His73Tyr)

Gene: TRPS1 (transcriptional repressor GATA binding 1; minus strand). Cytogenetic location: 8q23.3.
Variant type: single nucleotide variant.
Coding change: c.217C>T on transcript NM_014112.5 (MANE Select); coding-DNA position 217, C replaced by T.
Protein change: p.His73Tyr; replaces histidine 73 with tyrosine.
Molecular consequence: missense variant.
Genome position (GRCh38, 1-based): chr8:115,619,881, G>A on the plus strand (C>T on the coding strand, the complement: TRPS1 is on the minus strand). VCF-style: chr8-115619881-G-A. GRCh37 (hg19) VCF-style: chr8-116632108-G-A.
Other names: c.190C>T, p.His64Tyr (NM_001282902.3); c.196C>T, p.His66Tyr (NM_001282903.3); c.178C>T, p.His60Tyr (NM_001330599.2); c.217C>T (NM_014112.2); short protein forms H60Y, H64Y, H66Y, H73Y.
Identifiers: ClinVar variation 1643893 (VCV001643893.16), dbSNP rs572735161, ClinGen allele CA4852037.

ClinVar aggregate classification (germline): Likely benign. Review status: criteria provided, multiple submitters, no conflicts (2 of 4 stars). 3 submissions from 3 submitters: Likely benign (3). Last evaluated 2025-06-10.

Conditions:
Trichorhinophalangeal syndrome, type III (TRPS3). Also called: SUGIO-KAJII SYNDROME. Identifiers: Orphanet 77258, MedGen C1860823, OMIM 190351, MONDO:0008597.
Trichorhinophalangeal dysplasia type I (TRPS1). Also called: TRICHORHINOPHALANGEAL SYNDROME, TYPE I; TRPS I. Identifiers: Orphanet 77258, MedGen C0432233, MONDO:0008596, OMIM 190350.
Inborn genetic diseases. Identifiers: MedGen C0950123, MeSH D030342.

Allele frequency attached by ClinVar (database versions not stated): gnomAD exomes 0.00015 and 0.00006; 1000 Genomes Project 30x 0.00016; 1000 Genomes Project 0.00020; gnomAD 0.00002 and 0.00004; TOPMed 0.00001; ExAC 0.00015.
gnomAD v4.1: 100 of 1,614,160 alleles (0.0062%); highest among the groups gnomAD compares: South Asian, 0.09%; no homozygotes.

Submissions (3):

Labcorp Genetics (formerly Invitae), Labcorp
Classification: Likely benign for Trichorhinophalangeal syndrome, type III; Trichorhinophalangeal dysplasia type I. Last evaluated: 2025-06-10. Review status: criteria provided, single submitter. Criteria: Invitae Variant Classification Sherloc (09022015). Collection method: clinical testing. Allele origin: germline.

CeGaT Center for Human Genetics Tuebingen
Classification: Likely benign. Last evaluated: 2025-04-01. Review status: criteria provided, single submitter. Criteria: CeGaT Center For Human Genetics Tuebingen Variant Classification Criteria Version 2. Collection method: clinical testing. Allele origin: germline. Affected: yes. Observed: 1 variant allele.
Comment: TRPS1: BS1

Ambry Genetics
Classification: Likely benign for Inborn genetic diseases. Last evaluated: 2023-06-06. Review status: criteria provided, single submitter. Criteria: Ambry Variant Classification Scheme 2023. Collection method: clinical testing. Allele origin: germline.